The following is an entry in ClinVar:

NM_004287.5(GOSR2):c.477+6G>T

Genes: GOSR2 (golgi SNAP receptor complex member 2; plus strand), LRRC37A2 (leucine rich repeat containing 37 member A2). Cytogenetic location: 17q21.32.
Variant type: single nucleotide variant.
Coding change: c.477+6G>T on transcript NM_004287.5 (MANE Select); 6 bases into the intron after coding-DNA position 477, G replaced by T.
Molecular consequence: intron variant. On other transcripts: synonymous variant (1).
Genome position (GRCh38, 1-based): chr17:46,935,175, G>T. VCF-style: chr17-46935175-G-T. GRCh37 (hg19) VCF-style: chr17-45012541-G-T.
Other names: c.483G>T, p.Gly161= (NM_001012511.3); c.477+6G>T (NM_001321133.2, NM_054022.4); c.423+6G>T (NM_001363851.2); c.282+2976G>T (NM_001321134.2); c.336+2976G>T (NM_001330252.2); c.474+6G>T (NM_001353114.2); c.333+2976G>T (NM_001353115.2, NM_001353116.2).
Identifiers: ClinVar variation 1359156 (VCV001359156.4), dbSNP rs1568177911, ClinGen allele CA2262451308.

ClinVar aggregate classification (germline): Uncertain significance (1 of 4 stars; one submission).

Conditions:
Progressive myoclonic epilepsy. Also called: Familial progressive myoclonic epilepsy; Myoclonic Epilepsies, Progressive; Myoclonus epilepsy; Progressive myoclonus epilepsy. Identifiers: Orphanet 308, Orphanet 98261, MedGen C0751778, MONDO:0020074.

Allele frequency attached by ClinVar (database versions not stated): TOPMed below 0.00001.

Submission:

Labcorp Genetics (formerly Invitae), Labcorp
Classification: Uncertain significance for Progressive myoclonic epilepsy. Last evaluated: 2021-10-22. Review status: criteria provided, single submitter. Criteria: Invitae Variant Classification Sherloc (09022015). Collection method: clinical testing. Allele origin: germline.
Comment: In summary, the available evidence is currently insufficient to determine the role of this variant in disease. Therefore, it has been classified as a Variant of Uncertain Significance. Variants that disrupt the consensus splice site are a relatively common cause of aberrant splicing (PMID: 17576681, 9536098). Algorithms developed to predict the effect of sequence changes on RNA splicing suggest that this variant is not likely to affect RNA splicing. This variant has not been reported in the literature in individuals affected with GOSR2-related conditions. This variant is not present in population databases (ExAC no frequency). This sequence change falls in intron 5 of the GOSR2 gene. It does not directly change the encoded amino acid sequence of the GOSR2 protein. It affects a nucleotide within the consensus splice site.

Literature cited by the submitters: PubMed 17576681; PubMed 9536098.